The following is an entry in ClinVar:

ClinVar aggregate classification (germline): Uncertain significance (1 of 4 stars; one submission).

Allele frequency attached by ClinVar (database versions not stated): ExAC 0.00001; gnomAD exomes 0.00001 and 0.00002.
gnomAD v4.1: 23 of 1,614,164 alleles (0.0014%); highest among the groups gnomAD compares: Non-Finnish European, 0.0019%; no homozygotes.

Submission:

Labcorp Genetics (formerly Invitae), Labcorp
Classification: Uncertain significance. Last evaluated: 2022-01-18. Review status: criteria provided, single submitter. Criteria: Invitae Variant Classification Sherloc (09022015). Collection method: clinical testing. Allele origin: germline.
Comment: This sequence change replaces aspartic acid, which is acidic and polar, with glycine, which is neutral and non-polar, at codon 245 of the TANGO2 protein (p.Asp245Gly). This variant is present in population databases (rs767709190, gnomAD 0.004%). This variant has not been reported in the literature in individuals affected with TANGO2-related conditions. Algorithms developed to predict the effect of missense changes on protein structure and function are either unavailable or do not agree on the potential impact of this missense change (SIFT: "Not Available"; PolyPhen-2: "Probably Damaging"; Align-GVGD: "Not Available"). In summary, the available evidence is currently insufficient to determine the role of this variant in disease. Therefore, it has been classified as a Variant of Uncertain Significance.

NM_152906.7(TANGO2):c.734A>G (p.Asp245Gly)

Gene: TANGO2 (transport and golgi organization 2 homolog; plus strand). Cytogenetic location: 22q11.21.
Variant type: single nucleotide variant.
Coding change: c.734A>G on transcript NM_152906.7 (MANE Select); coding-DNA position 734, A replaced by G.
Protein change: p.Asp245Gly; replaces aspartic acid 245 with glycine.
Molecular consequence: missense variant. On other transcripts: 3 prime UTR variant (2), synonymous variant (5), non-coding transcript variant (5).
Genome position (GRCh38, 1-based): chr22:20,064,565, A>G. VCF-style: chr22-20064565-A-G. GRCh37 (hg19) VCF-style: chr22-20052088-A-G.
Other names: c.548A>G, p.Asp183Gly (NM_001283186.3, NM_001283179.3, NM_001322163.2 and 2 more transcripts); c.509A>G, p.Asp170Gly (NM_001283199.3); c.*1A>G (NM_001283215.3); c.440A>G, p.Asp147Gly (NM_001283235.3, NM_001322171.2, NM_001322172.2 and 3 more transcripts); c.734A>G, p.Asp245Gly (NM_001283106.3, NM_001283116.3); c.857A>G, p.Asp286Gly (NM_001283129.3, NM_001322143.2); c.732A>G, p.Arg244= (NM_001283148.3, NM_001283154.3); c.*70A>G (NM_001283248.3); and 9 more; short protein forms D147G, D211G, D245G, D263G, D183G, D286G, D170G, D297G.
Identifiers: ClinVar variation 1424576 (VCV001424576.5), dbSNP rs767709190, ClinGen allele CA10106565.
Genomic context (GRCh38, chr22:20,064,565, plus strand): 5'-GGACACCAGGTGAACGAGGGCCCCTGCTCTCTTTCAGAACCAACACTATCATCCTGGTAG[A>G]TGCGGACGGCCACGTGACCTTCACTGAGCGTAGCATGATGGACAAGGACCTCTCCCACTG-3'
Protein context (NP_690870.3, residues 235-255): GTRTNTIILV[Asp245Gly]ADGHVTFTER